The following is an entry in ClinVar:

NM_003890.3(FCGBP):c.10275G>T (p.Ala3425=)

Gene: FCGBP (Fc gamma binding protein; minus strand). Cytogenetic location: 19q13.2.
Variant type: single nucleotide variant.
Coding change: c.10275G>T on transcript NM_003890.3 (MANE Select); coding-DNA position 10275, G replaced by T.
Protein change: p.Ala3425=; no amino-acid change (alanine 3425 retained).
Molecular consequence: synonymous variant.
Genome position (GRCh38, 1-based): chr19:39,891,971, C>A on the plus strand (G>T on the coding strand, the complement: FCGBP is on the minus strand). VCF-style: chr19-39891971-C-A. GRCh37 (hg19) VCF-style: chr19-40382611-C-A.
Identifiers: ClinVar variation 2649850 (VCV002649850.24), dbSNP rs578175338, ClinGen allele CA9436198.
Genomic context (GRCh38, chr19:39,891,971, plus strand): 5'-CACACATTCCCCGCAGCCCTGGGCGCCGCCCACCTGCCATCCGGCGGGCTTCCCGCCCAC[C>A]GCCTTCAGGTCGTCTGCGGGGTCCTGGTTGTAGTTCCCGCATAAGCCACAGAGAGAGCCC-3'
Protein context (NP_003881.2, residues 3415-3435): YNQDPADDLK[Ala3425=]VGGKPAGWQV

ClinVar aggregate classification (germline): Likely benign (1 of 4 stars; one submission).

Allele frequency attached by ClinVar (database versions not stated): ExAC 0.00062; gnomAD exomes 0.00116; 1000 Genomes Project 0.00399.

Submission:

CeGaT Center for Human Genetics Tuebingen
Classification: Likely benign. Last evaluated: 2026-06-01. Review status: criteria provided, single submitter. Criteria: CeGaT Center For Human Genetics Tuebingen Variant Classification Criteria Version 2. Collection method: clinical testing. Allele origin: germline. Affected: yes. Observed: 3 variant alleles.
Comment: FCGBP: BP4, BP7